The following is an entry in ClinVar:

ClinVar aggregate classification (germline): Benign/Likely benign. Review status: criteria provided, multiple submitters, no conflicts (2 of 4 stars). 2 submissions from 2 submitters: Benign (1); Likely benign (1). Last evaluated 2024-09-19.

Conditions:
Hereditary cancer-predisposing syndrome. Also called: Hereditary Cancer Syndrome; Neoplastic Syndromes, Hereditary; Hereditary neoplastic syndrome; Tumor predisposition. Identifiers: Orphanet 140162, MedGen C0027672, MeSH D009386, MONDO:0015356.
Hereditary diffuse gastric adenocarcinoma (HDGC). Also called: DIFFUSE GASTRIC AND LOBULAR BREAST CANCER SYNDROME. Identifiers: Orphanet 26106, MedGen C1708349, MONDO:0007648, OMIM 137215.

Allele frequency attached by ClinVar (database versions not stated): gnomAD exomes below 0.00001.
gnomAD v4.1: 2 of 1,614,264 alleles (0.00012%); highest among the groups gnomAD compares: Non-Finnish European, 0.00017%; no homozygotes.

Submissions (2):

Myriad Genetics, Inc.
Classification: Benign for Hereditary diffuse gastric adenocarcinoma. Last evaluated: 2024-09-19. Review status: criteria provided, single submitter. Criteria: Myriad Autosomal Dominant, Autosomal Recessive and X-Linked Classification Criteria (2023). Collection method: clinical testing. Allele origin: unknown.
Comment: This variant is considered benign. This variant is a silent/synonymous amino acid change and it is not expected to impact splicing.

Ambry Genetics
Classification: Likely benign for Hereditary cancer-predisposing syndrome. Last evaluated: 2019-08-21. Review status: criteria provided, single submitter. Criteria: Ambry Variant Classification Scheme 2023. Collection method: clinical testing. Allele origin: germline.

NM_004360.5(CDH1):c.1518A>G (p.Thr506=)

Gene: CDH1 (cadherin 1; plus strand). Cytogenetic location: 16q22.1.
Variant type: single nucleotide variant.
Coding change: c.1518A>G on transcript NM_004360.5 (MANE Select); coding-DNA position 1518, A replaced by G.
Protein change: p.Thr506=; no amino-acid change (threonine 506 retained).
Molecular consequence: synonymous variant. On other transcripts: 5 prime UTR variant (2).
Genome position (GRCh38, 1-based): chr16:68,815,712, A>G. VCF-style: chr16-68815712-A-G. GRCh37 (hg19) VCF-style: chr16-68849615-A-G.
Other names: c.1335A>G, p.Thr445= (NM_001317184.2); c.-31A>G (NM_001317185.2); c.-302A>G (NM_001317186.2).
Identifiers: ClinVar variation 819376 (VCV000819376.5), dbSNP rs1597898197, ClinGen allele CA496154115.
Genomic context (GRCh38, chr16:68,815,712, plus strand): 5'-TGTGCCTCCTGAAAAGAGAGTGGAAGTGTCCGAGGACTTTGGCGTGGGCCAGGAAATCAC[A>G]TCCTACACTGCCCAGGAGCCAGACACATTTATGGAACAGAAAATAACGTAAGTGTGAGGA-3'
Protein context (NP_004351.1, residues 496-516): SEDFGVGQEI[Thr506=]SYTAQEPDTF